The following is an entry in ClinVar:

NM_000152.5(GAA):c.2314_2320del (p.Trp772fs)

Gene: GAA (alpha glucosidase; plus strand). Cytogenetic location: 17q25.3.
Variant type: Deletion.
Coding change: c.2314_2320del on transcript NM_000152.5 (MANE Select); coding-DNA positions 2314 to 2320, 7 bases deleted (TGGTACG; older notation c.2314_2320delTGGTACG).
Protein change: p.Trp772fs; shifts the reading frame from tryptophan 772.
Molecular consequence: frameshift variant.
Genome position (GRCh38, 1-based): chr17:80,117,092-80,117,098, TGGTACG deleted. VCF-style (leftmost placement, unchanged base first): chr17-80117091-ATGGTACG-A. GRCh37 (hg19) VCF-style: chr17-78090890-ATGGTACG-A.
Other names: c.2314_2320del, p.Trp772fs (NM_001079803.3, NM_001079804.3, NM_001406741.1 and 1 more transcripts); short protein forms W772fs.
Identifiers: ClinVar variation 5005852 (VCV005005852.2).

ClinVar aggregate classification (germline): Likely pathogenic (1 of 4 stars; one submission).

Conditions:
Glycogen storage disease, type II (IOPD). Also called: CARDIOMEGALIA GLYCOGENICA DIFFUSA; Glucosidase acid-1,4-alpha deficiency; POMPE DISEASE, INFANTILE-ONSET; GLYCOGEN STORAGE DISEASE II, INFANTILE-ONSET; ACID ALPHA-GLUCOSIDASE DEFICIENCY, INFANTILE-ONSET; GAA DEFICIENCY, INFANTILE-ONSET. Identifiers: Orphanet 365, MedGen C0017921, MONDO:0009290, OMIM 232300.

Submission:

Juno Genomics, Hangzhou Juno Genomics, Inc
Classification: Likely pathogenic for Glycogen storage disease, type II. Review status: criteria provided, single submitter. Criteria: ACMG Guidelines, 2015. Collection method: clinical testing. Allele origin: germline.
Comment: Null variant in a gene where loss of function (LOF) is a known mechanism of disease.;Absent from controls (or at extremely low frequency if recessive) in Genome Aggregation Database.